The following is an entry in ClinVar:

ClinVar aggregate classification (germline): Uncertain significance (1 of 4 stars; one submission).

Submission:

CeGaT Center for Human Genetics Tuebingen
Classification: Uncertain significance. Last evaluated: 2024-09-01. Review status: criteria provided, single submitter. Criteria: CeGaT Center For Human Genetics Tuebingen Variant Classification Criteria Version 2. Collection method: clinical testing. Allele origin: germline. Affected: yes. Observed: 1 variant allele.
Comment: CTBP1: PM2

NM_001012614.2(CTBP1):c.698A>G (p.His233Arg)

Genes: CTBP1 (C-terminal binding protein 1; minus strand), CTBP1-AS (CTBP1 antisense RNA; plus strand). Cytogenetic location: 4p16.3.
Variant type: single nucleotide variant.
Coding change: c.698A>G on transcript NM_001012614.2 (MANE Select); coding-DNA position 698, A replaced by G.
Protein change: p.His233Arg; replaces histidine 233 with arginine.
Molecular consequence: missense variant. On other transcripts: non-coding transcript variant (1).
Genome position (GRCh38, 1-based): chr4:1,216,022, T>C on the plus strand (A>G on the coding strand, the complement: CTBP1 is on the minus strand). VCF-style: chr4-1216022-T-C. GRCh37 (hg19) VCF-style: chr4-1209810-T-C.
Other names: c.698A>G, p.His233Arg (NM_001377188.1, NM_001377189.1, NM_001377190.1 and 4 more transcripts); c.731A>G, p.His244Arg (NM_001328.3, NM_001377186.1); short protein forms H233R, H244R.
Identifiers: ClinVar variation 3389552 (VCV003389552.14).